The following is an entry in ClinVar:

ClinVar aggregate classification (germline): Uncertain significance. Review status: criteria provided, multiple submitters, no conflicts (2 of 4 stars). 2 submissions from 2 submitters: Uncertain significance (2). Last evaluated 2025-05-15.

Allele frequency attached by ClinVar (database versions not stated): gnomAD 0.00007.
gnomAD v4.1: 64 of 1,576,700 alleles (0.0041%); highest among the groups gnomAD compares: Admixed American, 0.017%; no homozygotes.

Submissions (2):

Ambry Genetics
Classification: Uncertain significance. Last evaluated: 2025-05-15. Review status: criteria provided, single submitter. Criteria: Ambry Variant Classification Scheme 2023. Collection method: clinical testing. Allele origin: germline.

Labcorp Genetics (formerly Invitae), Labcorp
Classification: Uncertain significance. Last evaluated: 2024-04-25. Review status: criteria provided, single submitter. Criteria: Invitae Variant Classification Sherloc (09022015). Collection method: clinical testing. Allele origin: germline.
Comment: This sequence change replaces methionine, which is neutral and non-polar, with threonine, which is neutral and polar, at codon 4172 of the FAT2 protein (p.Met4172Thr). This variant is present in population databases (rs755091164, gnomAD 0.01%). This variant has not been reported in the literature in individuals affected with FAT2-related conditions. ClinVar contains an entry for this variant (Variation ID: 2181650). An algorithm developed to predict the effect of missense changes on protein structure and function (PolyPhen-2) suggests that this variant is likely to be tolerated. In summary, the available evidence is currently insufficient to determine the role of this variant in disease. Therefore, it has been classified as a Variant of Uncertain Significance.

NM_001447.3(FAT2):c.12515T>C (p.Met4172Thr)

Genes: FAT2 (FAT atypical cadherin 2; minus strand), SLC36A1 (solute carrier family 36 member 1; plus strand). Cytogenetic location: 5q33.1.
Variant type: single nucleotide variant.
Coding change: c.12515T>C on transcript NM_001447.3 (MANE Select); coding-DNA position 12515, T replaced by C.
Protein change: p.Met4172Thr; replaces methionine 4172 with threonine.
Molecular consequence: missense variant.
Genome position (GRCh38, 1-based): chr5:151,507,156, A>G on the plus strand (T>C on the coding strand, the complement: FAT2 is on the minus strand). VCF-style: chr5-151507156-A-G. GRCh37 (hg19) VCF-style: chr5-150886717-A-G.
Other names: c.12515T>C (NM_001447.2); short protein forms M4172T.
Identifiers: ClinVar variation 2181650 (VCV002181650.5), dbSNP rs755091164, ClinGen allele CA3519769.
Genomic context (GRCh38, chr5:151,507,156, plus strand): 5'-TAGAACCACCACCCACTTCCATCAATCCCAGAGGCTAAGCGTCTCTGGCTATACTGACCC[A>G]TCTCCTCGCTGGACCAGGTTCTCTTAATGACAGGCTCATTGTCAGAGTGGGAAGGGACCG-3'
Protein context (NP_001438.1, residues 4162-4182): VIKRTWSSEE[Met4172Thr]VYPGGAMVWP